The following is an entry in ClinVar:

ClinVar aggregate classification (germline): Pathogenic (1 of 4 stars; one submission).

Conditions:
Congenital myotonia, autosomal dominant form (THD). Also called: THOMSEN DISEASE; Myotonia congenita autosomal dominant. Identifiers: Orphanet 614, MedGen C2936781, MONDO:0008055, OMIM 160800.
Congenital myotonia, autosomal recessive form. Also called: BECKER DISEASE; Becker Generalized Myotonia; myotonia congenita, autosomal recessive. Identifiers: Orphanet 614, MedGen C0751360, MONDO:0009715, OMIM 255700.

Submission:

Labcorp Genetics (formerly Invitae), Labcorp
Classification: Pathogenic for Congenital myotonia, autosomal recessive form; Congenital myotonia, autosomal dominant form. Last evaluated: 2025-04-21. Review status: criteria provided, single submitter. Criteria: Invitae Variant Classification Sherloc (09022015). Collection method: clinical testing. Allele origin: germline.
Comment: This sequence change creates a premature translational stop signal (p.Trp322*) in the CLCN1 gene. It is expected to result in an absent or disrupted protein product. Loss-of-function variants in CLCN1 are known to be pathogenic (PMID: 17932099, 22094069, 23739125). This variant is present in population databases (no rsID available, gnomAD 0.003%). This premature translational stop signal has been observed in individuals with autosomal recessive Thomsen disease (PMID: 33670307). This variant has been reported in individual(s) with autosomal dominant Thomsen disease (PMID: 33670307); however, the role of the variant in this condition is currently unclear. ClinVar contains an entry for this variant (Variation ID: 2941020). Algorithms developed to predict the effect of variants on gene product structure and function are not available or were not evaluated for this variant. Experimental studies have shown that this premature translational stop signal affects CLCN1 function (PMID: 33670307). For these reasons, this variant has been classified as Pathogenic.

Literature cited by the submitters: PubMed 17932099; PubMed 22094069; PubMed 23739125; PubMed 33670307.

NM_000083.3(CLCN1):c.966G>A (p.Trp322Ter)

Gene: CLCN1 (chloride voltage-gated channel 1; plus strand). Cytogenetic location: 7q34.
Variant type: single nucleotide variant.
Coding change: c.966G>A on transcript NM_000083.3 (MANE Select); coding-DNA position 966, G replaced by A.
Protein change: p.Trp322Ter; replaces tryptophan 322 with a stop codon.
Molecular consequence: nonsense. On other transcripts: non-coding transcript variant (1).
Genome position (GRCh38, 1-based): chr7:143,330,884, G>A. VCF-style: chr7-143330884-G-A. GRCh37 (hg19) VCF-style: chr7-143027977-G-A.
Other names: short protein forms W322*.
Identifiers: ClinVar variation 2941020 (VCV002941020.3), dbSNP rs1441448091, ClinGen allele CA369641721.